The following is an entry in ClinVar:

ClinVar aggregate classification (germline): Uncertain significance. Review status: criteria provided, single submitter (1 of 4 stars). 2 submissions from 2 submitters: Uncertain significance (1). 1 of the submissions does not count toward it. Last evaluated 2021-07-21.

Conditions:
Cardiomyopathy, familial hypertrophic 27. Identifiers: MedGen C4748014, MONDO:0054838, OMIM 618052.
ALPK3-related disorder. Also called: ALPK3-related condition.

Submissions (2):

Clinical Genomics Laboratory, Stanford Medicine
Classification: Uncertain significance for Cardiomyopathy, familial hypertrophic 27. Last evaluated: 2021-07-21. Review status: criteria provided, single submitter. Criteria: ACMG Guidelines, 2015. Collection method: clinical testing. Allele origin: germline. Affected: yes. Observed: 1 heterozygote.
Comment: The p.Gln1836Lysfs*19 variant in the ALPK3gene has not been previously reported in association with disease. This variant was absent from large population databases, including the Genome Aggregation Database. The p.Gln1836Lysfs*19 variant leads to a premature termination in the last exon (14/14) of ALPK3andremoves less than 10% of the protein. Premature termination at this location is not predicted to undergo nonsense-mediated decay, increasing the likelihood of an expressed protein.As a result, it is unclear if this variant would result in a loss of function. These data were assessed using the ACMG/AMP variant interpretation guidelines. In summary, the significance of thep.Gln1836Lysfs*19variant is uncertain. Additional information is needed to resolve the significance of this variant. [ACMG evidence codes used: PVS1_Moderate; PM2]

PreventionGenetics, part of Exact Sciences
Classification: Uncertain significance for ALPK3-related condition. Last evaluated: 2024-04-05. Review status: no assertion criteria provided. Collection method: clinical testing. Allele origin: germline. Not counted in ClinVar's aggregate classification.
Comment: The ALPK3 c.5506delC variant is predicted to result in a frameshift and premature protein termination (p.Gln1836Lysfs*19). To our knowledge, this variant has not been reported in the literature or in a large population database, indicating this variant is rare. Of note, while loss of function variants in ALPK3 have been reported in association with disease, the c.5506delC (p.Gln1836Lysfs*19) variant occurs in the last exon of the gene and to our knowledge, no downstream variants have been reported. Therefore, it is unclear if this variant alters protein function. At this time, the clinical significance of this variant is uncertain due to the absence of conclusive functional and genetic evidence.

NM_020778.5(ALPK3):c.4900del (p.Gln1634fs)

Gene: ALPK3 (alpha kinase 3; plus strand). Cytogenetic location: 15q25.3.
Variant type: Deletion.
Coding change: c.4900del on transcript NM_020778.5 (MANE Select); coding-DNA position 4900, one base deleted (C; older notation c.4900delC).
Protein change: p.Gln1634fs; shifts the reading frame from glutamine 1634.
Molecular consequence: frameshift variant.
Genome position (GRCh38, 1-based): chr15:84,868,238, C deleted; the last of 5 consecutive C bases (chr15:84,868,234-84,868,238); deleting any one gives the same sequence. VCF-style (leftmost placement, unchanged base first): chr15-84868233-AC-A. GRCh37 (hg19) VCF-style: chr15-85411464-AC-A.
Other names: p.Gln1836Lysfs*19; c.5506delC (NM_020778.4); short protein forms Q1634fs.
Identifiers: ClinVar variation 3241957 (VCV003241957.2), dbSNP rs1964024068.
Genomic context (GRCh38, chr15:84,868,233, plus strand): 5'-AGTGCAATGCCTACTGTGAGCTGCTGGGGCTGACACCTCTCAAGGGCCCGGAGGCGGCCC[AC>A]CCCCAAGCCAAAGCCAAAGGCTCTAAGAGTCCATCTGCTGGCAGGAAAGGCTCCCAGCTG-3'